The following is an entry in ClinVar:

NM_001005242.3(PKP2):c.988G>A (p.Gly330Arg)

Gene: PKP2 (plakophilin 2; minus strand). Cytogenetic location: 12p11.21.
Variant type: single nucleotide variant.
Coding change: c.988G>A on transcript NM_001005242.3 (MANE Select); coding-DNA position 988, G replaced by A.
Protein change: p.Gly330Arg; replaces glycine 330 with arginine.
Molecular consequence: missense variant.
Genome position (GRCh38, 1-based): chr12:32,877,892, C>T on the plus strand (G>A on the coding strand, the complement: PKP2 is on the minus strand). VCF-style: chr12-32877892-C-T. GRCh37 (hg19) VCF-style: chr12-33030826-C-T.
Other names: c.661G>A, p.Gly221Arg (NM_001407162.1, NM_001407158.1, NM_001407159.1 and 1 more transcripts); c.988G>A, p.Gly330Arg (NM_004572.4, NM_001407155.1, NM_001407156.1 and 2 more transcripts); short protein forms G221R, G330R.
Identifiers: ClinVar variation 3387492 (VCV003387492.4).
Genomic context (GRCh38, chr12:32,877,892, plus strand): 5'-AGGAGGGGACTTACCCCAGCTGGGAGTCAGTGAAAGTGCTTCTCTCAGTGAGCAGATTCC[C>T]ACTTCCCCCTGCGGCCGCCTGGCCGACAGTCAAGTGCGCTCTCCTCCCGCTGGAATCCAC-3'
Protein context (NP_001005242.2, residues 320-340): TVGQAAAGGS[Gly330Arg]NLLTERSTFT

ClinVar aggregate classification (germline): Uncertain significance. Review status: criteria provided, multiple submitters, no conflicts (2 of 4 stars). 3 submissions from 3 submitters: Uncertain significance (3). Last evaluated 2024-06-17.

Conditions:
Arrhythmogenic right ventricular dysplasia 9 (ARVD9). Also called: ARRHYTHMOGENIC RIGHT VENTRICULAR DYSPLASIA, FAMILIAL, 9; Arrhythmogenic Right Ventricular Dysplasia/Cardiomyopathy 9. Identifiers: MedGen C1836906, MONDO:0012180, OMIM 609040.
Cardiomyopathy (CMYO). Also called: Cardiomyopathies. Identifiers: Orphanet 167848, MedGen C0878544, MONDO:0004994, HP:0001638. Inheritance: Various modes of inheritance.
Arrhythmogenic right ventricular cardiomyopathy (ARVD). Also called: Arrhythmogenic right ventricular dysplasia; Cardiomyopathy, ARVC; Arrhythmogenic cardiomyopathy; Arrhythmogenic Right Ventricular Cardiomyopathy (ARVC). Identifiers: Orphanet 247, MedGen C0349788, MeSH D019571, MONDO:0016587. Disease mechanism: loss of function. Inheritance: Various modes of inheritance.

gnomAD v4.1: 1 of 1,614,180 alleles (0.000062%); highest among the groups gnomAD compares: Non-Finnish European, 0.000085%; no homozygotes.

Submissions (3):

Labcorp Genetics (formerly Invitae), Labcorp
Classification: Uncertain significance for Arrhythmogenic right ventricular dysplasia 9. Last evaluated: 2024-06-17. Review status: criteria provided, single submitter. Criteria: Invitae Variant Classification Sherloc (09022015). Collection method: clinical testing. Allele origin: germline.
Comment: This sequence change replaces glycine, which is neutral and non-polar, with arginine, which is basic and polar, at codon 330 of the PKP2 protein (p.Gly330Arg). This variant is not present in population databases (gnomAD no frequency). This variant has not been reported in the literature in individuals affected with PKP2-related conditions. An algorithm developed to predict the effect of missense changes on protein structure and function (PolyPhen-2) suggests that this variant is likely to be tolerated. In summary, the available evidence is currently insufficient to determine the role of this variant in disease. Therefore, it has been classified as a Variant of Uncertain Significance.

All of Us Research Program, National Institutes of Health
Classification: Uncertain significance for Arrhythmogenic right ventricular cardiomyopathy. Last evaluated: 2024-06-09. Review status: criteria provided, single submitter. Criteria: ACMG Guidelines, 2015. Collection method: clinical testing. Allele origin: germline. Inheritance: Autosomal dominant inheritance. Observed: 1 variant allele, 1 heterozygote.
Comment: This missense variant replaces glycine with arginine at codon 330 of the PKP2 protein. Computational prediction suggests that this variant may not impact protein structure and function (internally defined REVEL score threshold <= 0.5, PMID: 27666373). To our knowledge, functional studies have not been reported for this variant. This variant has not been reported in individuals affected with PKP2-related disorders in the literature. This variant has not been identified in the general population by the Genome Aggregation Database (gnomAD). The available evidence is insufficient to determine the role of this variant in disease conclusively. Therefore, this variant is classified as a Variant of Uncertain Significance.

This study involves interpretation of variants in research participants for the purpose of population health screening. Participant phenotype was not available at the time of variant classification. Additional details can be found in publication PMID: 35346344, PMCID: PMC8962531

Color Diagnostics, LLC DBA Color Health
Classification: Uncertain significance for Cardiomyopathy. Last evaluated: 2024-05-14. Review status: criteria provided, single submitter. Criteria: ACMG Guidelines, 2015. Collection method: clinical testing. Allele origin: germline.
Comment: This missense variant replaces glycine with arginine at codon 330 of the PKP2 protein. Computational prediction suggests that this variant may not impact protein structure and function. To our knowledge, functional studies have not been reported for this variant. This variant has not been reported in individuals affected with PKP2-related disorders in the literature. This variant has not been identified in the general population by the Genome Aggregation Database (gnomAD). The available evidence is insufficient to determine the role of this variant in disease conclusively. Therefore, this variant is classified as a Variant of Uncertain Significance.